The following is an entry in ClinVar:

NM_031478.6(TLCD3B):c.570G>A (p.Lys190=)

Genes: FIMP1 (fertilization-influencing membrane protein 1; plus strand), TLCD3B (TLC domain containing 3B; minus strand). Cytogenetic location: 16p11.2.
Variant type: single nucleotide variant.
Coding change: c.570G>A on transcript NM_031478.6 (MANE Select); coding-DNA position 570, G replaced by A.
Protein change: p.Lys190=; no amino-acid change (lysine 190 retained).
Molecular consequence: synonymous variant. On other transcripts: intron variant (1).
Genome position (GRCh38, 1-based): chr16:30,025,438, C>T on the plus strand (G>A on the coding strand, the complement: TLCD3B is on the minus strand). VCF-style: chr16-30025438-C-T. GRCh37 (hg19) VCF-style: chr16-30036759-C-T.
Other names: c.420G>A, p.Lys140= (NM_001318504.2); c.828G>A, p.Lys276= (NM_001352173.2); c.311+1352C>T (NM_001353379.2).
Identifiers: ClinVar variation 3778261 (VCV003778261.7).
Genomic context (GRCh38, chr16:30,025,438, plus strand): 5'-GTAGGGAAAGAGCAGCACCCGGCAGCAGAGGAAGCTGAGCAGCATCAGGGCCCCGTTCAC[C>T]TTGTGCAGCAGTGTGTGCTGCTGCTTGTACTGAGGAGACACAGACACAGTGGCCACGGCA-3'
Protein context (NP_113666.2, residues 180-200): QYKQQHTLLH[Lys190=]VNGALMLLSF

ClinVar aggregate classification (germline): Likely benign (1 of 4 stars; one submission).

gnomAD v4.1: 1 of 1,612,744 alleles (0.000062%); no homozygotes.

Submission:

CeGaT Center for Human Genetics Tuebingen
Classification: Likely benign. Last evaluated: 2025-03-01. Review status: criteria provided, single submitter. Criteria: CeGaT Center For Human Genetics Tuebingen Variant Classification Criteria Version 2. Collection method: clinical testing. Allele origin: germline. Affected: yes. Observed: 1 variant allele.
Comment: TLCD3B: BP4, BP7